The following is an entry in ClinVar:

NM_001122764.3(PPOX):c.905T>A (p.Leu302Gln)

Gene: PPOX (protoporphyrinogen oxidase; plus strand). Cytogenetic location: 1q23.3.
Variant type: single nucleotide variant.
Coding change: c.905T>A on transcript NM_001122764.3 (MANE Select); coding-DNA position 905, T replaced by A.
Protein change: p.Leu302Gln; replaces leucine 302 with glutamine.
Molecular consequence: missense variant.
Genome position (GRCh38, 1-based): chr1:161,169,942, T>A. VCF-style: chr1-161169942-T-A. GRCh37 (hg19) VCF-style: chr1-161139732-T-A.
Other names: c.905T>A, p.Leu302Gln (NM_000309.5, NM_001365398.1, NM_001365399.1); c.806T>A, p.Leu269Gln (NM_001350128.2); c.497T>A, p.Leu166Gln (NM_001350129.2, NM_001365400.1); c.419T>A, p.Leu140Gln (NM_001350130.2, NM_001350131.2, NM_001365401.1); short protein forms L140Q, L166Q, L269Q, L302Q.
Identifiers: ClinVar variation 4855365 (VCV004855365.1).

ClinVar aggregate classification (germline): Uncertain significance (1 of 4 stars; one submission).

Conditions:
Variegate porphyria, childhood-onset (VPCO). Also called: VARIEGATE PORPHYRIA, HOMOZYGOUS VARIANT. Identifiers: MedGen C5882681, MONDO:0957577, OMIM 620483.

Submission:

3billion
Classification: Uncertain significance for Variegate porphyria, childhood-onset. Last evaluated: 2025-07-30. Review status: criteria provided, single submitter. Criteria: ACMG Guidelines, 2015. Collection method: clinical testing. Allele origin: germline. Affected: yes.
Comment: The variant is not observed in the gnomAD v4.1.0 dataset. Predicted Consequence/Location: Missense variant In silico tool predictions suggest damaging effect of the variant on gene or gene product [REVEL: 0.80 (>=0.6, sensitivity 0.68 and specificity 0.92)]. Therefore, this variant is classified as VUS according to the recommendation of ACMG/AMP guideline.